The following is an entry in ClinVar:

NM_001042492.3(NF1):c.2251+6T>G

Gene: NF1 (neurofibromin 1; plus strand). Cytogenetic location: 17q11.2.
Variant type: single nucleotide variant.
Coding change: c.2251+6T>G on transcript NM_001042492.3 (MANE Select); 6 bases into the intron after coding-DNA position 2251, T replaced by G.
Molecular consequence: intron variant.
Genome position (GRCh38, 1-based): chr17:31,226,690, T>G. VCF-style: chr17-31226690-T-G. GRCh37 (hg19) VCF-style: chr17-29553708-T-G.
Other names: c.2251+6T>G (NM_000267.4).
Identifiers: ClinVar variation 4119050 (VCV004119050.1).
Genomic context (GRCh38, chr17:31,226,690, plus strand): 5'-CCCAACTATAACACATTCATGGAGTTTGCCTCTGTCAGCAATATGATGTCAACAGGTAAA[T>G]GTGAATAGTGGTTTTTTTTACTCAGTCTGCCTCAAAGCACATGGCATCTGATTTTGAGAA-3'

ClinVar aggregate classification (germline): Uncertain significance (1 of 4 stars; one submission).

Conditions:
Cardiovascular phenotype. Identifiers: MedGen CN230736.
Hereditary cancer-predisposing syndrome. Also called: Hereditary neoplastic syndrome; Neoplastic Syndromes, Hereditary; Tumor predisposition; Hereditary Cancer Syndrome. Identifiers: Orphanet 140162, MedGen C0027672, MeSH D009386, MONDO:0015356.

Submission:

Ambry Genetics
Classification: Uncertain significance for Cardiovascular phenotype; Hereditary cancer-predisposing syndrome. Last evaluated: 2025-06-17. Review status: criteria provided, single submitter. Criteria: Ambry Variant Classification Scheme 2023. Collection method: clinical testing. Allele origin: germline.
Comment: The c.2251+6T>G intronic variant results from a T to G substitution 6 nucleotides after coding exon 18 in the NF1 gene. In silico splice site analysis predicts that this alteration will result in the creation or strengthening of a novel splice donor site; however, direct evidence is insufficient at this time (Ambry internal data). Based on the available evidence, the clinical significance of this variant remains unclear.